The following is an entry in ClinVar:

NM_030632.3(ASXL3):c.4496A>C (p.Asp1499Ala)

Gene: ASXL3 (ASXL transcriptional regulator 3; plus strand). Cytogenetic location: 18q12.1.
Variant type: single nucleotide variant.
Coding change: c.4496A>C on transcript NM_030632.3 (MANE Select); coding-DNA position 4496, A replaced by C.
Protein change: p.Asp1499Ala; replaces aspartic acid 1499 with alanine.
Molecular consequence: missense variant.
Genome position (GRCh38, 1-based): chr18:33,744,344, A>C. VCF-style: chr18-33744344-A-C. GRCh37 (hg19) VCF-style: chr18-31324308-A-C.
Other names: short protein forms D1499A.
Identifiers: ClinVar variation 3901006 (VCV003901006.1).

ClinVar aggregate classification (germline): Uncertain significance (1 of 4 stars; one submission).

Conditions:
Bainbridge-Ropers syndrome. Also called: Severe feeding difficulties-failure to thrive-microcephaly due to ASXL3 deficiency syndrome. Identifiers: Orphanet 352577, MedGen C4750837, MONDO:0014205, OMIM 615485.

Submission:

Laboratorio de Genetica e Diagnostico Molecular, Hospital Israelita Albert Einstein
Classification: Uncertain significance for Bainbridge-Ropers syndrome. Last evaluated: 2024-06-11. Review status: criteria provided, single submitter. Criteria: ACMG Guidelines, 2015. Collection method: clinical testing. Allele origin: germline. Affected: yes.
Comment: ACMG classification criteria: PM2 supporting, BP4 supporting